The following is an entry in ClinVar:

NM_000069.3(CACNA1S):c.4669-3C>A

Gene: CACNA1S (calcium voltage-gated channel subunit alpha1 S; minus strand). Cytogenetic location: 1q32.1.
Variant type: single nucleotide variant.
Coding change: c.4669-3C>A on transcript NM_000069.3 (MANE Select); 3 bases into the intron before coding-DNA position 4669, C replaced by A.
Molecular consequence: intron variant.
Genome position (GRCh38, 1-based): chr1:201,044,459, G>T on the plus strand (C>A on the coding strand, the complement: CACNA1S is on the minus strand). VCF-style: chr1-201044459-G-T. GRCh37 (hg19) VCF-style: chr1-201013587-G-T.
Identifiers: ClinVar variation 3070793 (VCV003070793.1), dbSNP rs1660406659, ClinGen allele CA2649759298.

ClinVar aggregate classification (germline): Uncertain significance (1 of 4 stars; one submission).

Conditions:
Malignant hyperthermia, susceptibility to, 5 (MHS5). Also called: CACNA1S-Related Malignant Hyperthermia Susceptibility. Identifiers: Orphanet 423, MedGen C1866077, MONDO:0011163, OMIM 601887.

Submission:

All of Us Research Program, National Institutes of Health
Classification: Uncertain significance for Malignant hyperthermia, susceptibility to, 5. Last evaluated: 2023-05-04. Review status: criteria provided, single submitter. Criteria: ACMG Guidelines, 2015. Collection method: clinical testing. Allele origin: germline. Inheritance: Autosomal dominant inheritance. Observed: 1 variant allele, 1 heterozygote.
Comment: This variant causes a C to A nucleotide substitution at the -3 position of intron 38 of the CACNA1S gene. To our knowledge, functional studies have not been reported for this variant. This variant has not been reported in individuals affected with CACNA1S-related disorders in the literature. This variant has not been identified in the general population by the Genome Aggregation Database (gnomAD). The available evidence is insufficient to determine the role of this variant in disease conclusively. Therefore, this variant is classified as a Variant of Uncertain Significance.

This study involves interpretation of variants in research participants for the purpose of population health screening. Participant phenotype was not available at the time of variant classification. Additional details can be found in publication PMID: 35346344, PMCID: PMC8962531